The following is an entry in ClinVar:

ClinVar aggregate classification (germline): Uncertain significance (1 of 4 stars; one submission).

Allele frequency attached by ClinVar (database versions not stated): gnomAD exomes below 0.00001; TOPMed below 0.00001.
gnomAD v4.1: 4 of 1,613,420 alleles (0.00025%); highest among the groups gnomAD compares: South Asian, 0.0022%; no homozygotes.

Submission:

Labcorp Genetics (formerly Invitae), Labcorp
Classification: Uncertain significance. Last evaluated: 2019-12-24. Review status: criteria provided, single submitter. Criteria: Invitae Variant Classification Sherloc (09022015). Collection method: clinical testing. Allele origin: germline.
Comment: Algorithms developed to predict the effect of missense changes on protein structure and function are either unavailable or do not agree on the potential impact of this missense change (SIFT: "Deleterious"; PolyPhen-2: "Possibly Damaging"; Align-GVGD: "Class C0"). This variant has not been reported in the literature in individuals with ADGRV1-related conditions. This variant is not present in population databases (ExAC no frequency). This sequence change replaces asparagine with serine at codon 1368 of the ADGRV1 protein (p.Asn1368Ser). The asparagine residue is moderately conserved and there is a small physicochemical difference between asparagine and serine. In summary, the available evidence is currently insufficient to determine the role of this variant in disease. Therefore, it has been classified as a Variant of Uncertain Significance.

NM_032119.4(ADGRV1):c.4103A>G (p.Asn1368Ser)

Gene: ADGRV1 (adhesion G protein-coupled receptor V1; plus strand). Cytogenetic location: 5q14.3.
Variant type: single nucleotide variant.
Coding change: c.4103A>G on transcript NM_032119.4 (MANE Select); coding-DNA position 4103, A replaced by G.
Protein change: p.Asn1368Ser; replaces asparagine 1368 with serine.
Molecular consequence: missense variant. On other transcripts: non-coding transcript variant (1).
Genome position (GRCh38, 1-based): chr5:90,653,677, A>G. VCF-style: chr5-90653677-A-G. GRCh37 (hg19) VCF-style: chr5-89949494-A-G.
Other names: short protein forms N1368S.
Identifiers: ClinVar variation 836430 (VCV000836430.9), dbSNP rs1768977647, ClinGen allele CA360401383.